The following is an entry in ClinVar:

NM_000069.3(CACNA1S):c.5051T>C (p.Val1684Ala)

Gene: CACNA1S (calcium voltage-gated channel subunit alpha1 S; minus strand). Cytogenetic location: 1q32.1.
Variant type: single nucleotide variant.
Coding change: c.5051T>C on transcript NM_000069.3 (MANE Select); coding-DNA position 5051, T replaced by C.
Protein change: p.Val1684Ala; replaces valine 1684 with alanine.
Molecular consequence: missense variant.
Genome position (GRCh38, 1-based): chr1:201,041,587, A>G on the plus strand (T>C on the coding strand, the complement: CACNA1S is on the minus strand). VCF-style: chr1-201041587-A-G. GRCh37 (hg19) VCF-style: chr1-201010715-A-G.
Other names: short protein forms V1684A.
Identifiers: ClinVar variation 2618454 (VCV002618454.3), dbSNP rs1477707683, ClinGen allele CA344133764.

ClinVar aggregate classification (germline): Uncertain significance. Review status: criteria provided, multiple submitters, no conflicts (2 of 4 stars). 2 submissions from 2 submitters: Uncertain significance (2). Last evaluated 2023-08-31.

Conditions:
Inborn genetic diseases. Identifiers: MedGen C0950123, MeSH D030342.
Malignant hyperthermia, susceptibility to, 5 (MHS5). Also called: CACNA1S-Related Malignant Hyperthermia Susceptibility. Identifiers: Orphanet 423, MedGen C1866077, MONDO:0011163, OMIM 601887.

Allele frequency attached by ClinVar (database versions not stated): gnomAD 0.00001; gnomAD exomes 0.00002.
gnomAD v4.1: 30 of 1,612,496 alleles (0.0019%); highest among the groups gnomAD compares: Non-Finnish European, 0.0025%; no homozygotes.

Submissions (2):

Color Diagnostics, LLC DBA Color Health
Classification: Uncertain significance for Malignant hyperthermia, susceptibility to, 5. Last evaluated: 2023-08-31. Review status: criteria provided, single submitter. Criteria: ACMG Guidelines, 2015. Collection method: clinical testing. Allele origin: germline.
Comment: This missense variant replaces valine with alanine at codon 1684 of the CACNA1S protein. Computational prediction suggests that this variant may not impact protein structure and function. To our knowledge, functional studies have not been reported for this variant. This variant has not been reported in individuals affected with CACNA1S-related disorders in the literature. This variant has been identified in 2/251268 chromosomes in the general population by the Genome Aggregation Database (gnomAD). The available evidence is insufficient to determine the role of this variant in disease conclusively. Therefore, this variant is classified as a Variant of Uncertain Significance.

Ambry Genetics
Classification: Uncertain significance for Inborn genetic diseases. Last evaluated: 2023-08-14. Review status: criteria provided, single submitter. Criteria: Ambry Variant Classification Scheme 2023. Collection method: clinical testing. Allele origin: germline.